The following is an entry in ClinVar:

NM_001065.4(TNFRSF1A):c.1190G>A (p.Arg397His)

Gene: TNFRSF1A (TNF receptor superfamily member 1A; minus strand). Cytogenetic location: 12p13.31.
Variant type: single nucleotide variant.
Coding change: c.1190G>A on transcript NM_001065.4 (MANE Select); coding-DNA position 1190, G replaced by A.
Protein change: p.Arg397His; replaces arginine 397 with histidine.
Molecular consequence: missense variant. On other transcripts: non-coding transcript variant (1).
Genome position (GRCh38, 1-based): chr12:6,329,490, C>T on the plus strand (G>A on the coding strand, the complement: TNFRSF1A is on the minus strand). VCF-style: chr12-6329490-C-T. GRCh37 (hg19) VCF-style: chr12-6438656-C-T.
Other names: c.866G>A, p.Arg289His (NM_001346091.2); c.731G>A, p.Arg244His (NM_001346092.2); short protein forms R244H, R289H, R397H.
Identifiers: ClinVar variation 4801148 (VCV004801148.1).

ClinVar aggregate classification (germline): Uncertain significance (1 of 4 stars; one submission).

Conditions:
TNF receptor-associated periodic fever syndrome (TRAPS) (FPF). Also called: FAMILIAL HIBERNIAN FEVER; TNF RECEPTOR-ASSOCIATED PERIODIC SYNDROME; TUMOR NECROSIS FACTOR RECEPTOR-ASSOCIATED PERIODIC SYNDROME; Autosomal Dominant Familial Periodic Fever; TNF Receptor-Associated Periodic Fever Syndrome; TNF receptor 1-associated periodic fever syndrome. Identifiers: Orphanet 32960, MedGen C1275126, MONDO:0007727, OMIM 142680.

Submission:

Labcorp Genetics (formerly Invitae), Labcorp
Classification: Uncertain significance for TNF receptor-associated periodic fever syndrome (TRAPS). Last evaluated: 2025-12-27. Review status: criteria provided, single submitter. Criteria: Invitae Variant Classification Sherloc (09022015). Collection method: clinical testing. Allele origin: germline.
Comment: This sequence change replaces arginine, which is basic and polar, with histidine, which is basic and polar, at codon 397 of the TNFRSF1A protein (p.Arg397His). This variant is not present in population databases (gnomAD no frequency). This variant has not been reported in the literature in individuals affected with TNFRSF1A-related conditions. Invitae Evidence Modeling of protein sequence and biophysical properties (such as structural, functional, and spatial information, amino acid conservation, physicochemical variation, residue mobility, and thermodynamic stability) has been performed for this missense variant. However, the output from this modeling did not meet the statistical confidence thresholds required to predict the impact of this variant on TNFRSF1A protein function. In summary, the available evidence is currently insufficient to determine the role of this variant in disease. Therefore, it has been classified as a Variant of Uncertain Significance.